The following is an entry in ClinVar:

ClinVar aggregate classification (germline): Uncertain significance (1 of 4 stars; one submission).

Submission:

Ambry Genetics
Classification: Uncertain significance. Last evaluated: 2022-11-26. Review status: criteria provided, single submitter. Criteria: Ambry Variant Classification Scheme 2023. Collection method: clinical testing. Allele origin: germline.
Comment: The p.F1967Y variant (also known as c.5900T>A), located in coding exon 43 of the PRKDC gene, results from a T to A substitution at nucleotide position 5900. The phenylalanine at codon 1967 is replaced by tyrosine, an amino acid with highly similar properties. This amino acid position is conserved. In addition, the in silico prediction for this alteration is inconclusive. Since supporting evidence is limited at this time, the clinical significance of this alteration remains unclear.

NM_006904.7(PRKDC):c.5900T>A (p.Phe1967Tyr)

Gene: PRKDC (protein kinase, DNA-activated, catalytic subunit; minus strand). Cytogenetic location: 8q11.21.
Variant type: single nucleotide variant.
Coding change: c.5900T>A on transcript NM_006904.7 (MANE Select); coding-DNA position 5900, T replaced by A.
Protein change: p.Phe1967Tyr; replaces phenylalanine 1967 with tyrosine.
Molecular consequence: missense variant.
Genome position (GRCh38, 1-based): chr8:47,862,392, A>T on the plus strand (T>A on the coding strand, the complement: PRKDC is on the minus strand). VCF-style: chr8-47862392-A-T. GRCh37 (hg19) VCF-style: chr8-48774953-A-T.
Other names: c.5900T>A, p.Phe1967Tyr (NM_001081640.2); short protein forms F1967Y.
Identifiers: ClinVar variation 2497401 (VCV002497401.2), dbSNP rs2551870671, ClinGen allele CA371162178.
Genomic context (GRCh38, chr8:47,862,392, plus strand): 5'-CTCCTACAATAACAATAGTGCACACCGTAGGAGTGGCCTACCTTTTCTGGTTTTTCACTA[A>T]ACAGAAAACCTTGGTAAAATTTTAACTCATTGAAGACACAGCAGATGACAGATATGGCGC-3'
Protein context (NP_008835.5, residues 1957-1977): NELKFYQGFL[Phe1967Tyr]SEKPEKNLLI